The following is an entry in ClinVar:

NM_002485.5(NBN):c.1336del (p.Ala446fs)

Gene: NBN (nibrin; minus strand). Cytogenetic location: 8q21.3.
Variant type: Deletion.
Coding change: c.1336del on transcript NM_002485.5 (MANE Select); coding-DNA position 1336, one base deleted (G; older notation c.1336delG).
Protein change: p.Ala446fs; shifts the reading frame from alanine 446.
Molecular consequence: frameshift variant.
Genome position (GRCh38, 1-based): chr8:89,955,344, C deleted on the plus strand (G on the coding strand, the reverse complement: NBN is on the minus strand); the first of 3 consecutive C bases (chr8:89,955,344-89,955,346); deleting any one gives the same sequence. VCF-style (leftmost placement, unchanged base first): chr8-89955343-GC-G. GRCh37 (hg19) VCF-style: chr8-90967571-GC-G.
Other names: c.1336delG (NM_002485.4, NM_002485.5); c.1090del, p.Ala364fs (NM_001024688.3); short protein forms A446fs, A364fs.
Identifiers: ClinVar variation 481837 (VCV000481837.20), dbSNP rs1554559083, ClinGen allele CA658657800.

ClinVar aggregate classification (germline): Pathogenic/Likely pathogenic. Review status: criteria provided, multiple submitters, no conflicts (2 of 4 stars). 5 submissions from 5 submitters: Pathogenic (4); Likely pathogenic (1). Last evaluated 2025-06-09.

Conditions:
Hereditary cancer-predisposing syndrome. Also called: Hereditary neoplastic syndrome; Neoplastic Syndromes, Hereditary; Tumor predisposition; Hereditary Cancer Syndrome. Identifiers: Orphanet 140162, MedGen C0027672, MeSH D009386, MONDO:0015356.
Aplastic anemia. Identifiers: Orphanet 182040, Orphanet 88, MedGen C0002874, MONDO:0015909, OMIM 609135, HP:0001915.
Microcephaly, normal intelligence and immunodeficiency (NBS). Also called: IMMUNODEFICIENCY, MICROCEPHALY, AND CHROMOSOMAL INSTABILITY; SEEMANOVA SYNDROME II; Nijmegen breakage syndrome; Microcephaly with normal intelligence immunodeficiency and lymphoreticular malignancies; Nonsyndromal microcephaly autosomal recessive with normal intelligence; Seemanova syndrome 2. Identifiers: Orphanet 647, MedGen C0398791, MONDO:0009623, OMIM 251260.

Submissions (5):

Women's Health and Genetics/Laboratory Corporation of America, LabCorp
Classification: Pathogenic for Microcephaly, normal intelligence and immunodeficiency. Last evaluated: 2025-06-09. Review status: criteria provided, single submitter. Criteria: LabCorp Variant Classification Summary - May 2015. Collection method: clinical testing. Allele origin: germline.
Comment: Variant summary: NBN c.1336delG (p.Ala446LeufsX38) results in a premature termination codon, predicted to cause a truncation of the encoded protein or absence of the protein due to nonsense mediated decay, which are commonly known mechanisms for disease. The variant was absent in 251188 control chromosomes. To our knowledge, no occurrence of c.1336delG in individuals affected with Nijmegen Breakage Syndrome and no experimental evidence demonstrating its impact on protein function have been reported. ClinVar contains an entry for this variant (Variation ID: 481837). Based on the evidence outlined above, the variant was classified as pathogenic.

Labcorp Genetics (formerly Invitae), Labcorp
Classification: Pathogenic for Microcephaly, normal intelligence and immunodeficiency. Last evaluated: 2024-03-02. Review status: criteria provided, single submitter. Criteria: Invitae Variant Classification Sherloc (09022015). Collection method: clinical testing. Allele origin: germline.
Comment: This sequence change creates a premature translational stop signal (p.Ala446Leufs*38) in the NBN gene. It is expected to result in an absent or disrupted protein product. Loss-of-function variants in NBN are known to be pathogenic (PMID: 9590180, 16415040). This variant is not present in population databases (gnomAD no frequency). This variant has not been reported in the literature in individuals affected with NBN-related conditions. ClinVar contains an entry for this variant (Variation ID: 481837). For these reasons, this variant has been classified as Pathogenic.

Baylor Genetics
Classification: Likely pathogenic for Aplastic anemia. Last evaluated: 2023-08-09. Review status: criteria provided, single submitter. Criteria: ACMG Guidelines, 2015. Collection method: clinical testing. Allele origin: unknown.

Ambry Genetics
Classification: Pathogenic for Hereditary cancer-predisposing syndrome. Last evaluated: 2022-11-09. Review status: criteria provided, single submitter. Criteria: Ambry Variant Classification Scheme 2023. Collection method: clinical testing. Allele origin: germline.
Comment: The c.1336delG pathogenic mutation, located in coding exon 10 of the NBN gene, results from a deletion of one nucleotide at nucleotide position 1336, causing a translational frameshift with a predicted alternate stop codon (p.A446Lfs*38). This alteration is expected to result in loss of function by premature protein truncation or nonsense-mediated mRNA decay. As such, this alteration is interpreted as a disease-causing mutation.

Genome-Nilou Lab
Classification: Pathogenic for Microcephaly, normal intelligence and immunodeficiency. Last evaluated: 2021-11-07. Review status: criteria provided, single submitter. Criteria: ACMG Guidelines, 2015. Collection method: clinical testing. Allele origin: germline. Affected: no.

Literature cited by the submitters: PubMed 9590180 (cited by Labcorp Genetics (formerly Invitae), Labcorp); PubMed 16415040 (cited by Labcorp Genetics (formerly Invitae), Labcorp).